The following is an entry in ClinVar:

NM_001114753.3(ENG):c.1490T>A (p.Leu497Ter)

Genes: ENG (endoglin; minus strand), LOC102723566 (uncharacterized LOC102723566; plus strand). Cytogenetic location: 9q34.11.
Variant type: single nucleotide variant.
Coding change: c.1490T>A on transcript NM_001114753.3 (MANE Select); coding-DNA position 1490, T replaced by A.
Protein change: p.Leu497Ter; replaces leucine 497 with a stop codon.
Molecular consequence: nonsense. On other transcripts: non-coding transcript variant (1).
Genome position (GRCh38, 1-based): chr9:127,818,316, A>T on the plus strand (T>A on the coding strand, the complement: ENG is on the minus strand). VCF-style: chr9-127818316-A-T. GRCh37 (hg19) VCF-style: chr9-130580595-A-T.
Other names: c.1490T>A, p.Leu497Ter (NM_000118.4); c.944T>A, p.Leu315Ter (NM_001278138.2); short protein forms L315*, L497*.
Identifiers: ClinVar variation 854273 (VCV000854273.11), dbSNP rs1830384447, ClinGen allele CA374975853.
Genomic context (GRCh38, chr9:127,818,316, plus strand): 5'-ACACAGTTGCCCTTGGCCGCCCGGCCCTGGATGAGTTCCACGGTGCCTCCCTCAGGCCCC[A>T]AGTCCAGGTGGCAGCTGTCTAACTGGAGCAGGAACTCGGAGACGGATGGGGACACTCTGA-3'

ClinVar aggregate classification (germline): Pathogenic (1 of 4 stars; one submission).

Conditions:
Hereditary hemorrhagic telangiectasia (HHT). Also called: ORW DISEASE; Osler Weber Rendu syndrome; OSLER-RENDU-WEBER DISEASE; Osler hemorrhagic telangiectasia syndrome. Identifiers: Orphanet 774, MedGen C0039445, MONDO:0019180. Disease mechanism: loss of function.

Submission:

Labcorp Genetics (formerly Invitae), Labcorp
Classification: Pathogenic for Hereditary hemorrhagic telangiectasia. Last evaluated: 2019-12-23. Review status: criteria provided, single submitter. Criteria: Invitae Variant Classification Sherloc (09022015). Collection method: clinical testing. Allele origin: germline.
Comment: This variant is not present in population databases (ExAC no frequency). For these reasons, this variant has been classified as Pathogenic. Loss-of-function variants in ENG are known to be pathogenic (PMID: 15879500, 20656886, 22385575). Algorithms developed to predict the effect of sequence changes on RNA splicing suggest that this variant may create or strengthen a splice site, but this prediction has not been confirmed by published transcriptional studies. This variant has not been reported in the literature in individuals with ENG-related conditions. This sequence change creates a premature translational stop signal (p.Leu497*) in the ENG gene. It is expected to result in an absent or disrupted protein product.

Literature cited by the submitters: PubMed 15879500; PubMed 20656886; PubMed 22385575.